The following is an entry in ClinVar:

NM_002880.4(RAF1):c.835-225T>G

Gene: RAF1 (Raf-1 proto-oncogene, serine/threonine kinase; minus strand). Cytogenetic location: 3p25.2.
Variant type: single nucleotide variant.
Coding change: c.835-225T>G on transcript NM_002880.4 (MANE Select); 225 bases into the intron before coding-DNA position 835, T replaced by G.
Molecular consequence: intron variant.
Genome position (GRCh38, 1-based): chr3:12,600,640, A>C on the plus strand (T>G on the coding strand, the complement: RAF1 is on the minus strand). VCF-style: chr3-12600640-A-C. GRCh37 (hg19) VCF-style: chr3-12642139-A-C.
Other names: c.493-225T>G (NM_001354695.3); c.592-225T>G (NM_001354692.3, NM_001354691.3); c.652-225T>G (NM_001354694.3); c.736-225T>G (NM_001354693.3); c.895-225T>G (NM_001354689.3); c.835-225T>G (NM_001354690.3).
Identifiers: ClinVar variation 1879572 (VCV001879572.29), dbSNP rs5746217, ClinGen allele CA69617183.

ClinVar aggregate classification (germline): Likely benign (1 of 4 stars; one submission).

Allele frequency attached by ClinVar (database versions not stated): 1000 Genomes Project 0.00240; 1000 Genomes Project 30x 0.00281; TOPMed 0.00539; gnomAD 0.00583.
gnomAD v4.1: 885 of 152,362 alleles (0.58%); highest among the groups gnomAD compares: Non-Finnish European, 0.99%; 5 homozygotes.

Submission:

CeGaT Center for Human Genetics Tuebingen
Classification: Likely benign. Last evaluated: 2026-09-01. Review status: criteria provided, single submitter. Criteria: CeGaT Center For Human Genetics Tuebingen Variant Classification Criteria Version 2. Collection method: clinical testing. Allele origin: germline. Affected: yes. Observed: 76 variant alleles.
Comment: RAF1: BS2